The following is an entry in ClinVar:

NM_000557.5(GDF5):c.166A>G (p.Asn56Asp)

Gene: GDF5 (growth differentiation factor 5; minus strand). Cytogenetic location: 20q11.22.
Variant type: single nucleotide variant.
Coding change: c.166A>G on transcript NM_000557.5 (MANE Select); coding-DNA position 166, A replaced by G.
Protein change: p.Asn56Asp; replaces asparagine 56 with aspartic acid.
Molecular consequence: missense variant.
Genome position (GRCh38, 1-based): chr20:35,437,763, T>C on the plus strand (A>G on the coding strand, the complement: GDF5 is on the minus strand). VCF-style: chr20-35437763-T-C. GRCh37 (hg19) VCF-style: chr20-34025543-T-C.
Other names: c.166A>G, p.Asn56Asp (NM_001319138.2); short protein forms N56D.
Identifiers: ClinVar variation 3766730 (VCV003766730.1).

ClinVar aggregate classification (germline): Uncertain significance (1 of 4 stars; one submission).

Submission:

ARUP Laboratories, Molecular Genetics and Genomics, ARUP Laboratories
Classification: Uncertain significance. Last evaluated: 2024-07-16. Review status: criteria provided, single submitter. Criteria: ARUP Molecular Germline Variant Investigation Process 2024. Collection method: clinical testing. Allele origin: germline.
Comment: The GDF5 c.166A>G; p.Asn56Asp variant, to our knowledge, is not reported in the medical literature or gene specific databases. This variant is also absent from the Genome Aggregation Database (v2.1.1), indicating it is not a common polymorphism. Computational analyses predict that this variant is neutral (REVEL: 0.054). Due to limited information, the clinical significance of this variant is uncertain at this time.